The following is an entry in ClinVar:

ClinVar aggregate classification (germline): Uncertain significance (1 of 4 stars; one submission).

Allele frequency attached by ClinVar (database versions not stated): gnomAD 0.00001; gnomAD exomes 0.00001; TOPMed 0.00002.
gnomAD v4.1: 13 of 1,612,844 alleles (0.00081%); highest among the groups gnomAD compares: Admixed American, 0.0033%; no homozygotes.

Submission:

Labcorp Genetics (formerly Invitae), Labcorp
Classification: Uncertain significance. Last evaluated: 2021-11-03. Review status: criteria provided, single submitter. Criteria: Invitae Variant Classification Sherloc (09022015). Collection method: clinical testing. Allele origin: germline.
Comment: This sequence change replaces isoleucine, which is neutral and non-polar, with threonine, which is neutral and polar, at codon 1502 of the PTPN23 protein (p.Ile1502Thr). This variant is not present in population databases (gnomAD no frequency). This variant has not been reported in the literature in individuals affected with PTPN23-related conditions. Algorithms developed to predict the effect of missense changes on protein structure and function are either unavailable or do not agree on the potential impact of this missense change (SIFT: "Tolerated"; PolyPhen-2: "Possibly Damaging"; Align-GVGD: "Class C0"). In summary, the available evidence is currently insufficient to determine the role of this variant in disease. Therefore, it has been classified as a Variant of Uncertain Significance.

NM_015466.4(PTPN23):c.4505T>C (p.Ile1502Thr)

Gene: PTPN23 (protein tyrosine phosphatase non-receptor type 23; plus strand). Cytogenetic location: 3p21.31.
Variant type: single nucleotide variant.
Coding change: c.4505T>C on transcript NM_015466.4 (MANE Select); coding-DNA position 4505, T replaced by C.
Protein change: p.Ile1502Thr; replaces isoleucine 1502 with threonine.
Molecular consequence: missense variant.
Genome position (GRCh38, 1-based): chr3:47,412,779, T>C. VCF-style: chr3-47412779-T-C. GRCh37 (hg19) VCF-style: chr3-47454269-T-C.
Other names: c.4127T>C, p.Ile1376Thr (NM_001304482.2); short protein forms I1376T, I1502T.
Identifiers: ClinVar variation 1524519 (VCV001524519.3), dbSNP rs1236988774, ClinGen allele CA352567877.